The following is an entry in ClinVar:

ClinVar aggregate classification (germline): Conflicting classifications of pathogenicity. Review status: criteria provided, conflicting classifications (1 of 4 stars). 4 submissions from 4 submitters: Uncertain significance (1); Benign (1); Likely benign (1). 1 of the submissions does not count toward it. Last evaluated 2025-12-26.

Conditions:
PROC-related disorder. Also called: PROC-related condition.
Thrombophilia due to protein C deficiency, autosomal dominant. Also called: PROC DEFICIENCY, AUTOSOMAL DOMINANT; PROTEIN C DEFICIENCY, AUTOSOMAL DOMINANT. Identifiers: Orphanet 745, MedGen C2674321, MONDO:0008316, OMIM 176860. Disease mechanism: loss of function.

Allele frequency attached by ClinVar (database versions not stated): gnomAD exomes 0.00032 and 0.00100; ExAC 0.00125; gnomAD 0.00332 and 0.00357; 1000 Genomes Project 0.00339; 1000 Genomes Project 30x 0.00390; ESP Exome Variant Server 0.00500; TOPMed 0.00391.

Submissions (4):

Labcorp Genetics (formerly Invitae), Labcorp
Classification: Benign for Thrombophilia due to protein C deficiency, autosomal dominant. Last evaluated: 2025-12-26. Review status: criteria provided, single submitter. Criteria: Invitae Variant Classification Sherloc (09022015). Collection method: clinical testing. Allele origin: germline.

Blueprint Genetics
Classification: Likely benign. Last evaluated: 2024-10-24. Review status: criteria provided, single submitter. Criteria: ACMG Guidelines, 2015. Collection method: clinical testing. Allele origin: germline.

Mayo Clinic Laboratories, Mayo Clinic
Classification: Uncertain significance. Last evaluated: 2023-09-21. Review status: criteria provided, single submitter. Criteria: ACMG Guidelines, 2015. Collection method: clinical testing. Allele origin: germline. Observed: 1 variant allele.
Comment: BS1

PreventionGenetics, part of Exact Sciences
Classification: Benign for PROC-related condition. Last evaluated: 2019-09-19. Review status: no assertion criteria provided. Collection method: clinical testing. Allele origin: germline. Not counted in ClinVar's aggregate classification.
Comment: This variant is classified as benign based on ACMG/AMP sequence variant interpretation guidelines (Richards et al. 2015 PMID: 25741868, with internal and published modifications).

NM_000312.4(PROC):c.536-6C>T

Gene: PROC (protein C, inactivator of coagulation factors Va and VIIIa; plus strand). Cytogenetic location: 2q14.3.
Variant type: single nucleotide variant.
Coding change: c.536-6C>T on transcript NM_000312.4 (MANE Select); 6 bases into the intron before coding-DNA position 536, C replaced by T.
Molecular consequence: intron variant.
Genome position (GRCh38, 1-based): chr2:127,426,079, C>T. VCF-style: chr2-127426079-C-T. GRCh37 (hg19) VCF-style: chr2-128183655-C-T.
Other names: p.?; c.536-6C>T (NM_001375611.1, NM_001375613.1); c.719-6C>T (NM_001375602.1); c.722-6C>T (NM_001375607.1); c.638-6C>T (NM_001375605.1); c.479-6C>T (NM_001375608.1); c.530-6C>T (NM_001375610.1); c.704-6C>T (NM_001375606.1); and 3 more.
Identifiers: ClinVar variation 536972 (VCV000536972.16), dbSNP rs148108718, ClinGen allele CA1859383.